The following is an entry in ClinVar:

NM_001077.4(UGT2B17):c.489G>A (p.Glu163=)

Gene: UGT2B17 (UDP glucuronosyltransferase family 2 member B17; minus strand). Cytogenetic location: 4q13.2.
Variant type: single nucleotide variant.
Coding change: c.489G>A on transcript NM_001077.4 (MANE Select); coding-DNA position 489, G replaced by A.
Protein change: p.Glu163=; no amino-acid change (glutamic acid 163 retained).
Molecular consequence: synonymous variant.
Genome position (GRCh38, 1-based): chr4:68,567,996, C>T on the plus strand (G>A on the coding strand, the complement: UGT2B17 is on the minus strand). VCF-style: chr4-68567996-C-T. GRCh37 (hg19) VCF-style: chr4-69433714-C-T.
Identifiers: ClinVar variation 3059548 (VCV003059548.2), dbSNP rs34664906, ClinGen allele CA2942243.
Genomic context (GRCh38, chr4:68,567,996, plus strand): 5'-CTTCTCAACTGTGTAGCCAACAGAGAAGCGGAGACTGTACAGAAAGGGTATGTTAAGTAG[C>T]TCAGCCAGCAGCTCACCACAGGGATTAACGGCATCTGCCAGAAGGACATCAAATTTTGAC-3'
Protein context (NP_001068.1, residues 153-173): AVNPCGELLA[Glu163=]LLNIPFLYSL

ClinVar aggregate classification (germline): Benign (0 of 4 stars; one submission).

Conditions:
UGT2B17-related disorder. Also called: UGT2B17-related condition.

Allele frequency attached by ClinVar (database versions not stated): 1000 Genomes Project 0.28295; 1000 Genomes Project 30x 0.30965; ESP Exome Variant Server 0.38993; gnomAD 0.39501; ExAC 0.41713.
gnomAD v4.1: 579,041 of 1,379,712 alleles (42%); highest among the groups gnomAD compares: Admixed American, 57%; 206,979 homozygotes.

Submission:

PreventionGenetics, part of Exact Sciences
Classification: Benign for UGT2B17-related condition. Last evaluated: 2019-10-18. Review status: no assertion criteria provided. Collection method: clinical testing. Allele origin: germline.
Comment: This variant is classified as benign based on ACMG/AMP sequence variant interpretation guidelines (Richards et al. 2015 PMID: 25741868, with internal and published modifications).